The following is an entry in ClinVar:

ClinVar aggregate classification (germline): Uncertain significance (1 of 4 stars; one submission).

Conditions:
Usher syndrome type 2C. Also called: Usher syndrome, type 2B; USHER SYNDROME, TYPE IIC. Identifiers: Orphanet 231178, Orphanet 886, MedGen C2931213, MONDO:0011558, OMIM 605472.

Submission:

Ocular Genomics Institute, Massachusetts Eye and Ear
Classification: Uncertain significance for Usher syndrome type 2C. Last evaluated: 2021-04-08. Review status: criteria provided, single submitter. Criteria: ACMG Guidelines, 2015. Collection method: research. Allele origin: germline. Affected: yes.
Comment: Through a review of available evidence we were able to apply the following criteria: PM2. Based on this evidence we have classified this variant as Variant of Uncertain Significance.

NM_032119.4(ADGRV1):c.10264G>C (p.Ala3422Pro)

Gene: ADGRV1 (adhesion G protein-coupled receptor V1; plus strand). Cytogenetic location: 5q14.3.
Variant type: single nucleotide variant.
Coding change: c.10264G>C on transcript NM_032119.4 (MANE Select); coding-DNA position 10264, G replaced by C.
Protein change: p.Ala3422Pro; replaces alanine 3422 with proline.
Molecular consequence: missense variant. On other transcripts: non-coding transcript variant (1).
Genome position (GRCh38, 1-based): chr5:90,728,771, G>C. VCF-style: chr5-90728771-G-C. GRCh37 (hg19) VCF-style: chr5-90024588-G-C.
Other names: short protein forms A3422P.
Identifiers: ClinVar variation 1065775 (VCV001065775.1), dbSNP rs2149812991, ClinGen allele CA360403975.